The following is an entry in ClinVar:

ClinVar aggregate classification (germline): Likely pathogenic (1 of 4 stars; one submission).

Allele frequency attached by ClinVar (database versions not stated): gnomAD 0.00001.
gnomAD v4.1: 4 of 1,614,066 alleles (0.00025%); highest among the groups gnomAD compares: Admixed American, 0.0033%; no homozygotes.

Submission:

Labcorp Genetics (formerly Invitae), Labcorp
Classification: Likely pathogenic. Last evaluated: 2025-09-26. Review status: criteria provided, single submitter. Criteria: Invitae Variant Classification Sherloc (09022015). Collection method: clinical testing. Allele origin: germline.
Comment: This sequence change replaces glycine, which is neutral and non-polar, with valine, which is neutral and non-polar, at codon 194 of the CTSK protein (p.Gly194Val). This variant is not present in population databases (gnomAD no frequency). This missense change has been observed in individual(s) with clinical features of pycnodysostosis (internal data). In at least one individual the data is consistent with being in trans (on the opposite chromosome) from a pathogenic variant. ClinVar contains an entry for this variant (Variation ID: 2835384). Invitae Evidence Modeling of protein sequence and biophysical properties (such as structural, functional, and spatial information, amino acid conservation, physicochemical variation, residue mobility, and thermodynamic stability) indicates that this missense variant is expected to disrupt CTSK protein function with a positive predictive value of 80%. This variant disrupts the p.Gly194 amino acid residue in CTSK. Other variant(s) that disrupt this residue have been determined to be pathogenic (PMID: 17397052, 27558267). This suggests that this residue is clinically significant, and that variants that disrupt this residue are likely to be disease-causing. In summary, the currently available evidence indicates that the variant is pathogenic, but additional data are needed to prove that conclusively. Therefore, this variant has been classified as Likely Pathogenic.

Literature cited by the submitters: PubMed 17397052; PubMed 27558267.

NM_000396.4(CTSK):c.581G>T (p.Gly194Val)

Gene: CTSK (cathepsin K; minus strand). Cytogenetic location: 1q21.3.
Variant type: single nucleotide variant.
Coding change: c.581G>T on transcript NM_000396.4 (MANE Select); coding-DNA position 581, G replaced by T.
Protein change: p.Gly194Val; replaces glycine 194 with valine.
Molecular consequence: missense variant.
Genome position (GRCh38, 1-based): chr1:150,804,058, C>A on the plus strand (G>T on the coding strand, the complement: CTSK is on the minus strand). VCF-style: chr1-150804058-C-A. GRCh37 (hg19) VCF-style: chr1-150776534-C-A.
Other names: short protein forms G194V.
Identifiers: ClinVar variation 2835384 (VCV002835384.3), dbSNP rs1255952340, ClinGen allele CA342336403.